The following is an entry in ClinVar:

ClinVar aggregate classification (germline): Uncertain significance. Review status: reviewed by expert panel (3 of 4 stars). 4 submissions from 4 submitters: Uncertain significance (1). 3 of the submissions do not count toward it. Last evaluated 2023-11-14.

Conditions:
X-linked severe combined immunodeficiency (SCIDX1). Also called: T-B+ severe combined immunodeficiency due to gamma chain deficiency; SCID, X-LINKED; SEVERE COMBINED IMMUNODEFICIENCY, X-LINKED, T CELL-NEGATIVE, B CELL-POSITIVE, NK CELL-NEGATIVE; IMMUNODEFICIENCY 4; X-Linked Combined Immunodeficiency Diseases. Identifiers: Orphanet 276, MedGen C6022468, MONDO:0010315, OMIM 300400. Disease mechanism: loss of function.
IL2RG-related disorder. Also called: IL2RG-related condition.

Allele frequency attached by ClinVar (database versions not stated): ExAC 0.00003; gnomAD exomes 0.00003 and 0.00005; TOPMed 0.00003; gnomAD 0.00004 and 0.00005; ESP Exome Variant Server 0.00009.

Submissions (4):

ClinGen Severe Combined Immunodeficiency Variant Curation Expert Panel, ClinGen
Classification: Uncertain significance for X-linked severe combined immunodeficiency. Last evaluated: 2023-11-14. Review status: reviewed by expert panel. Criteria: ClinGen SCID ACMG Specifications IL2RG V1.0.0. Collection method: curation. Allele origin: germline. Inheritance: X-linked inheritance.
Comment: NM_000206.3(IL2RG):c.1105A>G (p.Thr369Ala) is a missense variant that has been reported in ClinVar, without patient information, however it has not been reported in the literature to our knowledge. It occurs at a low allele frequency in gnomAD v2.1. of 0.00002258 which is below the SCID VCEP established threshold of <0.000124, however this includes two adult hemizygotes (PM2_NotMet, BS2_Supporting). In summary, this variant is classified as uncertain significance due to insufficient information. Criteria applied: BS2_supporting (VCEP specifications version 1).

Labcorp Genetics (formerly Invitae), Labcorp
Classification: Likely benign for X-linked severe combined immunodeficiency. Last evaluated: 2025-11-01. Review status: criteria provided, single submitter. Criteria: Invitae Variant Classification Sherloc (09022015). Collection method: clinical testing. Allele origin: germline. Not counted in ClinVar's aggregate classification.

PreventionGenetics, part of Exact Sciences
Classification: Likely benign for IL2RG-related condition. Last evaluated: 2021-09-17. Review status: no assertion criteria provided. Collection method: clinical testing. Allele origin: germline. Not counted in ClinVar's aggregate classification.
Comment: This variant is classified as likely benign based on ACMG/AMP sequence variant interpretation guidelines (Richards et al. 2015 PMID: 25741868, with internal and published modifications).

Natera, Inc.
Classification: Uncertain significance for X-linked severe combined immunodeficiency. Last evaluated: 2020-03-11. Review status: no assertion criteria provided. Collection method: clinical testing. Allele origin: germline. Not counted in ClinVar's aggregate classification.

NM_000206.3(IL2RG):c.1105A>G (p.Thr369Ala)

Gene: IL2RG (interleukin 2 receptor subunit gamma; minus strand). Cytogenetic location: Xq13.1.
Variant type: single nucleotide variant.
Coding change: c.1105A>G on transcript NM_000206.3 (MANE Select); coding-DNA position 1105, A replaced by G.
Protein change: p.Thr369Ala; replaces threonine 369 with alanine.
Molecular consequence: missense variant.
Genome position (GRCh38, 1-based): chrX:71,107,741, T>C on the plus strand (A>G on the coding strand, the complement: IL2RG is on the minus strand). VCF-style: chrX-71107741-T-C. GRCh37 (hg19) VCF-style: chrX-70327591-T-C.
Other names: NM_000206.3(IL2RG):c.1105A>G; p.Thr369Ala; short protein forms T369A.
Identifiers: ClinVar variation 837417 (VCV000837417.14), dbSNP rs374270413, ClinGen allele CA10443749.
Genomic context (GRCh38, chrX:71,107,741, plus strand): 5'-TTAGTACCACTTAGGGCTACAGGACCCTGGGGTTCTTCTGTCAGAGGATTGGGGTTCAGG[T>C]TTCAGGCTTTAGGGTGTAACATGGGGGGGCCCAGTAGGGGCTATGCTGGTTGCATGGGGA-3'
Protein context (NP_000197.1, residues 359-369): APPCYTLKPE[Thr369Ala]